The following is an entry in ClinVar:

ClinVar aggregate classification (germline): Benign/Likely benign. Review status: criteria provided, multiple submitters, no conflicts (2 of 4 stars). 9 submissions from 8 submitters: Benign (4); Likely benign (4). 1 of the submissions does not count toward it. Last evaluated 2026-02-02.

Conditions:
RAG1-related disorder. Also called: RAG1-related condition; RAG1-related disorders.
Combined immunodeficiency with skin granulomas. Identifiers: Orphanet 157949, MedGen C2673536, MONDO:0009306, OMIM 233650.
Severe combined immunodeficiency, autosomal recessive, T cell-negative, B cell-negative, NK cell-positive. Also called: SCID, T CELL-NEGATIVE, B CELL-NEGATIVE, NK CELL-POSITIVE; SCID, AR, T-cell negative, B-cell negative, NK cell-positive; Severe combined immunodeficiency due to complete RAG1/2 deficiency. Identifiers: Orphanet 331206, MedGen C1832322, MONDO:0011086, OMIM 601457.
Severe combined immunodeficiency disease. Also called: Severe Combined Immune Deficiency; Severe combined immunodeficiency. Identifiers: Orphanet 183660, MedGen C0085110, MeSH D016511, MONDO:0015974, HP:0004430. Inheritance: X-Linked or Autosomal recessive.
Histiocytic medullary reticulosis. Also called: SEVERE COMBINED IMMUNODEFICIENCY WITH HYPEREOSINOPHILIA; Omenn syndrome. Identifiers: Orphanet 39041, MedGen C2700553, MONDO:0011338, OMIM 603554.

Allele frequency attached by ClinVar (database versions not stated): ESP Exome Variant Server 0.01431; gnomAD 0.01436; 1000 Genomes Project 0.01438; TOPMed 0.01458; 1000 Genomes Project 30x 0.01655.
gnomAD v4.1: 4,246 of 1,614,232 alleles (0.26%); highest among the groups gnomAD compares: African/African-American, 4.4%; 90 homozygotes.

Submissions (9):

Labcorp Genetics (formerly Invitae), Labcorp
Classification: Benign for Combined immunodeficiency with skin granulomas; Severe combined immunodeficiency, autosomal recessive, T cell-negative, B cell-negative, NK cell-positive. Last evaluated: 2026-02-02. Review status: criteria provided, single submitter. Criteria: Invitae Variant Classification Sherloc (09022015). Collection method: clinical testing. Allele origin: germline.

ARUP Laboratories, Molecular Genetics and Genomics, ARUP Laboratories
Classification: Benign. Last evaluated: 2025-07-08. Review status: criteria provided, single submitter. Criteria: ARUP Molecular Germline Variant Investigation Process 2024. Collection method: clinical testing. Allele origin: germline.

Mayo Clinic Laboratories, Mayo Clinic
Classification: Benign. Last evaluated: 2022-05-24. Review status: criteria provided, single submitter. Criteria: ACMG Guidelines, 2015. Collection method: clinical testing. Allele origin: germline. Observed: 8 variant alleles.
Comment: BS1, BS2

Illumina Laboratory Services, Illumina
Classification: Likely benign for Histiocytic medullary reticulosis. Last evaluated: 2017-04-27. Review status: criteria provided, single submitter. Criteria: ICSL Variant Classification Criteria 13 December 2019. Collection method: clinical testing. Allele origin: germline.
Comment: This variant was observed as part of a predisposition screen in an ostensibly healthy population. A literature search was performed for the gene, cDNA change, and amino acid change (where applicable). No publications were found based on this search. Allele frequency data from public databases allowed determination this variant is unlikely to cause disease. Therefore, this variant is classified as likely benign.

Illumina Laboratory Services, Illumina
Classification: Likely benign for Severe combined immunodeficiency, autosomal recessive, T cell-negative, B cell-negative, NK cell-positive. Last evaluated: 2017-04-27. Review status: criteria provided, single submitter. Criteria: ICSL Variant Classification Criteria 13 December 2019. Collection method: clinical testing. Allele origin: germline.
Comment: the same text as in the submission from Illumina Laboratory Services, Illumina above.

GeneDx
Classification: Benign. Last evaluated: 2015-03-03. Review status: criteria provided, single submitter. Criteria: GeneDx Variant Classification Process June 2021. Collection method: clinical testing. Allele origin: germline. Affected: yes.

Women's Health and Genetics/Laboratory Corporation of America, LabCorp
Classification: Likely benign for SCID. Last evaluated: 2011-08-18. Review status: criteria provided, single submitter. Criteria: LabCorp Variant Classification Summary - May 2015. Collection method: curation, clinical testing. Allele origin: germline. Inheritance: autosomal unknown. Affected: yes.
ClinVar note: Converted during submission from likely benign to Likely benign.

Breakthrough Genomics
Classification: Likely benign. Review status: criteria provided, single submitter. Criteria: ACMG Guidelines, 2015. Collection method: not provided. Allele origin: germline. Inheritance: Autosomal recessive inheritance. Affected: yes.

PreventionGenetics, part of Exact Sciences
Classification: Benign for RAG1-related condition. Last evaluated: 2019-07-19. Review status: no assertion criteria provided. Collection method: clinical testing. Allele origin: germline. Not counted in ClinVar's aggregate classification.
Comment: This variant is classified as benign based on ACMG/AMP sequence variant interpretation guidelines (Richards et al. 2015 PMID: 25741868, with internal and published modifications).

NM_000448.3(RAG1):c.189A>G (p.Pro63=)

Gene: RAG1 (recombination activating 1; plus strand). Cytogenetic location: 11p12.
Variant type: single nucleotide variant.
Coding change: c.189A>G on transcript NM_000448.3 (MANE Select); coding-DNA position 189, A replaced by G.
Protein change: p.Pro63=; no amino-acid change (proline 63 retained).
Molecular consequence: synonymous variant.
Genome position (GRCh38, 1-based): chr11:36,573,493, A>G. VCF-style: chr11-36573493-A-G. GRCh37 (hg19) VCF-style: chr11-36595043-A-G.
Other names: p.Pro63=; c.189A>G, p.Pro63= (NM_001377277.1, NM_001377278.1, NM_001377279.1 and 1 more transcripts).
Identifiers: ClinVar variation 36711 (VCV000036711.25), dbSNP rs34357808, ClinGen allele CA214194.